The following is an entry in ClinVar:

NM_000284.4(PDHA1):c.657T>C (p.Ile219=)

Gene: PDHA1 (pyruvate dehydrogenase E1 subunit alpha 1; plus strand). Cytogenetic location: Xp22.12.
Variant type: single nucleotide variant.
Coding change: c.657T>C on transcript NM_000284.4 (MANE Select); coding-DNA position 657, T replaced by C.
Protein change: p.Ile219=; no amino-acid change (isoleucine 219 retained).
Molecular consequence: synonymous variant.
Genome position (GRCh38, 1-based): chrX:19,355,402, T>C. VCF-style: chrX-19355402-T-C. GRCh37 (hg19) VCF-style: chrX-19373520-T-C.
Other names: c.771T>C, p.Ile257= (NM_001173454.2); c.678T>C, p.Ile226= (NM_001173455.2); c.564T>C, p.Ile188= (NM_001173456.2).
Identifiers: ClinVar variation 798546 (VCV000798546.33), dbSNP rs778744930, ClinGen allele CA10363076.

ClinVar aggregate classification (germline): Likely benign. Review status: criteria provided, multiple submitters, no conflicts (2 of 4 stars). 3 submissions from 3 submitters: Likely benign (3). Last evaluated 2026-01-20.

Conditions:
Pyruvate dehydrogenase E1-alpha deficiency (PDHAD). Also called: ATAXIA, INTERMITTENT, WITH PYRUVATE DEHYDROGENASE DEFICIENCY; ATAXIA WITH LACTIC ACIDOSIS I; ATAXIA, INTERMITTENT, WITH ABNORMAL PYRUVATE METABOLISM; Ataxia, intermittent, with pyruvate dehydrogenase, or decarboxylase, deficiency. Identifiers: Orphanet 79243, MedGen C1839413, MONDO:0010717, OMIM 312170.

Allele frequency attached by ClinVar (database versions not stated): ExAC 0.00002; gnomAD exomes 0.00002; TOPMed 0.00003; gnomAD 0.00004.
gnomAD v4.1: 22 of 1,210,226 alleles (0.0018%); highest among the groups gnomAD compares: Non-Finnish European, 0.0025%; no homozygotes.

Submissions (3):

Labcorp Genetics (formerly Invitae), Labcorp
Classification: Likely benign for Pyruvate dehydrogenase E1-alpha deficiency. Last evaluated: 2026-01-20. Review status: criteria provided, single submitter. Criteria: Invitae Variant Classification Sherloc (09022015). Collection method: clinical testing. Allele origin: germline.

Blueprint Genetics
Classification: Likely benign. Last evaluated: 2024-09-24. Review status: criteria provided, single submitter. Criteria: ACMG Guidelines, 2015. Collection method: clinical testing. Allele origin: germline.

CeGaT Center for Human Genetics Tuebingen
Classification: Likely benign. Last evaluated: 2024-02-01. Review status: criteria provided, single submitter. Criteria: CeGaT Center For Human Genetics Tuebingen Variant Classification Criteria Version 2. Collection method: clinical testing. Allele origin: germline. Affected: yes. Observed: 1 variant allele.
Comment: PDHA1: BP4, BS2